The following is an entry in ClinVar:

NM_001903.5(CTNNA1):c.370A>T (p.Met124Leu)

Gene: CTNNA1 (catenin alpha 1; plus strand). Cytogenetic location: 5q31.2.
Variant type: single nucleotide variant.
Coding change: c.370A>T on transcript NM_001903.5 (MANE Select); coding-DNA position 370, A replaced by T.
Protein change: p.Met124Leu; replaces methionine 124 with leucine.
Molecular consequence: missense variant. On other transcripts: initiator codon variant (1).
Genome position (GRCh38, 1-based): chr5:138,810,106, A>T. VCF-style: chr5-138810106-A-T. GRCh37 (hg19) VCF-style: chr5-138145795-A-T.
Other names: c.370A>T, p.Met124Leu (NM_001290307.3, NM_001323982.2, NM_001323983.1 and 3 more transcripts); c.61A>T, p.Met21Leu (NM_001290309.3); c.1A>T, p.Met1Leu (NM_001290310.3); short protein forms M124L, M1L, M21L.
Identifiers: ClinVar variation 847094 (VCV000847094.10), dbSNP rs765587517, ClinGen allele CA361123054.

ClinVar aggregate classification (germline): Uncertain significance (1 of 4 stars; one submission).

Submission:

Labcorp Genetics (formerly Invitae), Labcorp
Classification: Uncertain significance. Last evaluated: 2020-06-13. Review status: criteria provided, single submitter. Criteria: Invitae Variant Classification Sherloc (09022015). Collection method: clinical testing. Allele origin: germline.
Comment: Algorithms developed to predict the effect of missense changes on protein structure and function are either unavailable or do not agree on the potential impact of this missense change (SIFT: "Deleterious"; PolyPhen-2: "Benign"; Align-GVGD: "Class C0"). This variant has not been reported in the literature in individuals with CTNNA1-related conditions. This variant is not present in population databases (ExAC no frequency). This sequence change replaces methionine with leucine at codon 124 of the CTNNA1 protein (p.Met124Leu). The methionine residue is highly conserved and there is a small physicochemical difference between methionine and leucine. In summary, the available evidence is currently insufficient to determine the role of this variant in disease. Therefore, it has been classified as a Variant of Uncertain Significance.